The following is an entry in ClinVar:

NM_005188.4(CBL):c.32C>T (p.Ala11Val)

Genes: CBL (Cbl proto-oncogene; plus strand), LOC130006895 (ATAC-STARR-seq lymphoblastoid silent region 3975; plus strand). Cytogenetic location: 11q23.3.
Variant type: single nucleotide variant.
Coding change: c.32C>T on transcript NM_005188.4 (MANE Select); coding-DNA position 32, C replaced by T.
Protein change: p.Ala11Val; replaces alanine 11 with valine.
Molecular consequence: missense variant.
Genome position (GRCh38, 1-based): chr11:119,206,449, C>T. VCF-style: chr11-119206449-C-T. GRCh37 (hg19) VCF-style: chr11-119077159-C-T.
Other names: short protein forms A11V.
Identifiers: ClinVar variation 2760841 (VCV002760841.3), dbSNP rs1302101624, ClinGen allele CA382975711.

ClinVar aggregate classification (germline): Uncertain significance (1 of 4 stars; one submission).

Conditions:
RASopathy. Also called: rasopathies; Noonan spectrum disorder. Identifiers: Orphanet 536391, MedGen C5555857, MONDO:0021060.

gnomAD v4.1: 1 of 1,580,122 alleles (0.000063%); highest among the groups gnomAD compares: Non-Finnish European, 0.000086%; no homozygotes.

Submission:

Labcorp Genetics (formerly Invitae), Labcorp
Classification: Uncertain significance for RASopathy. Last evaluated: 2023-09-15. Review status: criteria provided, single submitter. Criteria: Invitae Variant Classification Sherloc (09022015). Collection method: clinical testing. Allele origin: germline.
Comment: This sequence change replaces alanine, which is neutral and non-polar, with valine, which is neutral and non-polar, at codon 11 of the CBL protein (p.Ala11Val). Advanced modeling of protein sequence and biophysical properties (such as structural, functional, and spatial information, amino acid conservation, physicochemical variation, residue mobility, and thermodynamic stability) performed at Invitae indicates that this missense variant is not expected to disrupt CBL protein function. This variant has not been reported in the literature in individuals affected with CBL-related conditions. This variant is not present in population databases (gnomAD no frequency). In summary, the available evidence is currently insufficient to determine the role of this variant in disease. Therefore, it has been classified as a Variant of Uncertain Significance.